The following is an entry in ClinVar:

NM_000642.3(AGL):c.2351_2352del (p.Arg784fs)

Gene: AGL (amylo-alpha-1,6-glucosidase and 4-alpha-glucanotransferase; plus strand). Cytogenetic location: 1p21.2.
Variant type: Microsatellite.
Coding change: c.2351_2352del on transcript NM_000642.3 (MANE Select); coding-DNA positions 2351 to 2352, 2 bases deleted (GA; older notation c.2351_2352delGA).
Protein change: p.Arg784fs; shifts the reading frame from arginine 784.
Molecular consequence: frameshift variant.
Genome position (GRCh38, 1-based): chr1:99,884,162-99,884,163, GA deleted; deleting any 2 consecutive bases within chr1:99,884,158-99,884,163 gives the same sequence; the c. name uses the placement nearest the transcript's 3' end. VCF-style (leftmost placement, unchanged base first): chr1-99884157-TGA-T. GRCh37 (hg19) VCF-style: chr1-100349713-TGA-T.
Other names: c.2351_2352del (NM_000642.2); c.2347_2348GA[2], p.Arg784Lysfs (NM_000028.3, NM_000643.3, NM_000644.3 and 2 more transcripts); c.2299_2300GA[2], p.Arg768Lysfs (NM_000646.3); c.2146_2147GA[2], p.Arg717Lysfs (NM_001425327.1); c.2143_2144GA[2], p.Arg716Lysfs (NM_001425328.1, NM_001425329.1); c.1969_1970GA[2], p.Arg658Lysfs (NM_001425332.1); short protein forms R768fs, R784fs.
Identifiers: ClinVar variation 2674808 (VCV002674808.5), dbSNP rs774652075, ClinGen allele CA524878223.

ClinVar aggregate classification (germline): Pathogenic/Likely pathogenic. Review status: criteria provided, multiple submitters, no conflicts (2 of 4 stars). 2 submissions from 2 submitters: Pathogenic (1); Likely pathogenic (1). Last evaluated 2024-02-19.

Conditions:
Glycogen storage disease type III (GSD3). Also called: FORBES DISEASE; Cori disease. Identifiers: Orphanet 366, MedGen C0017922, MONDO:0009291, OMIM 232400.

Submissions (2):

Baylor Genetics
Classification: Likely pathogenic for Glycogen storage disease type III. Last evaluated: 2024-02-19. Review status: criteria provided, single submitter. Criteria: ACMG Guidelines, 2015. Collection method: clinical testing. Allele origin: unknown.

Labcorp Genetics (formerly Invitae), Labcorp
Classification: Pathogenic for Glycogen storage disease type III. Last evaluated: 2023-01-07. Review status: criteria provided, single submitter. Criteria: Invitae Variant Classification Sherloc (09022015). Collection method: clinical testing. Allele origin: germline.
Comment: For these reasons, this variant has been classified as Pathogenic. This variant has not been reported in the literature in individuals affected with AGL-related conditions. This variant is present in population databases (no rsID available, gnomAD 0.0009%). This sequence change creates a premature translational stop signal (p.Arg784Lysfs*6) in the AGL gene. It is expected to result in an absent or disrupted protein product. Loss-of-function variants in AGL are known to be pathogenic (PMID: 19299494).

Literature cited by the submitters: PubMed 19299494 (cited by Labcorp Genetics (formerly Invitae), Labcorp).